The following is an entry in ClinVar:

ClinVar aggregate classification (germline): Uncertain significance (1 of 4 stars; one submission).

Conditions:
Beta-D-mannosidosis (MANSB). Also called: MANNOSIDOSIS, BETA A, LYSOSOMAL; BETA-MANNOSIDASE DEFICIENCY; LYSOSOMAL BETA-MANNOSIDASE DEFICIENCY; Beta-Mannosidosis. Identifiers: Orphanet 118, MedGen C4048196, MONDO:0009562, OMIM 248510.

Allele frequency attached by ClinVar (database versions not stated): gnomAD exomes below 0.00001.
gnomAD v4.1: 1 of 1,613,554 alleles (0.000062%); highest among the groups gnomAD compares: East Asian, 0.0022%; no homozygotes.

Submission:

Labcorp Genetics (formerly Invitae), Labcorp
Classification: Uncertain significance for Beta-D-mannosidosis. Last evaluated: 2022-07-18. Review status: criteria provided, single submitter. Criteria: Invitae Variant Classification Sherloc (09022015). Collection method: clinical testing. Allele origin: germline.
Comment: In summary, the available evidence is currently insufficient to determine the role of this variant in disease. Therefore, it has been classified as a Variant of Uncertain Significance. Algorithms developed to predict the effect of missense changes on protein structure and function (SIFT, PolyPhen-2, Align-GVGD) all suggest that this variant is likely to be tolerated. This variant has not been reported in the literature in individuals affected with MANBA-related conditions. This variant is not present in population databases (gnomAD no frequency). This sequence change replaces leucine, which is neutral and non-polar, with serine, which is neutral and polar, at codon 854 of the MANBA protein (p.Leu854Ser).

NM_005908.4(MANBA):c.2561T>C (p.Leu854Ser)

Gene: MANBA (mannosidase beta; minus strand). Cytogenetic location: 4q24.
Variant type: single nucleotide variant.
Coding change: c.2561T>C on transcript NM_005908.4 (MANE Select); coding-DNA position 2561, T replaced by C.
Protein change: p.Leu854Ser; replaces leucine 854 with serine.
Molecular consequence: missense variant.
Genome position (GRCh38, 1-based): chr4:102,632,136, A>G on the plus strand (T>C on the coding strand, the complement: MANBA is on the minus strand). VCF-style: chr4-102632136-A-G. GRCh37 (hg19) VCF-style: chr4-103553293-A-G.
Other names: short protein forms L854S.
Identifiers: ClinVar variation 1921471 (VCV001921471.5), dbSNP rs1729406334, ClinGen allele CA357756212.